The following is an entry in ClinVar:

ClinVar aggregate classification (germline): Uncertain significance (1 of 4 stars; one submission).

gnomAD v4.1: 28 of 1,581,936 alleles (0.0018%); highest among the groups gnomAD compares: Non-Finnish European, 0.0021%; no homozygotes.

Submission:

CeGaT Center for Human Genetics Tuebingen
Classification: Uncertain significance. Last evaluated: 2025-03-01. Review status: criteria provided, single submitter. Criteria: CeGaT Center For Human Genetics Tuebingen Variant Classification Criteria Version 2. Collection method: clinical testing. Allele origin: germline. Affected: yes. Observed: 1 variant allele.
Comment: TRAPPC2L: PM2, PM5:Supporting, PP3

NM_001318525.2(TRAPPC2L):c.5C>T (p.Ala2Val)

Gene: TRAPPC2L (trafficking protein particle complex subunit 2L; plus strand). Cytogenetic location: 16q24.3.
Variant type: single nucleotide variant.
Coding change: c.5C>T on transcript NM_001318525.2 (MANE Select); coding-DNA position 5, C replaced by T.
Protein change: p.Ala2Val; replaces alanine 2 with valine.
Molecular consequence: missense variant. On other transcripts: 5 prime UTR variant (6), non-coding transcript variant (1).
Genome position (GRCh38, 1-based): chr16:88,857,155, C>T. VCF-style: chr16-88857155-C-T. GRCh37 (hg19) VCF-style: chr16-88923563-C-T.
Other names: c.5C>T, p.Ala2Val (NM_001318524.2, NM_016209.5); c.-91C>T (NM_001318526.2); c.-405C>T (NM_001318527.2, NM_001318529.2, NM_001318532.2); c.-63C>T (NM_001318528.2, NM_001318530.2); short protein forms A2V.
Identifiers: ClinVar variation 3778343 (VCV003778343.7).